The following is an entry in ClinVar:

ClinVar aggregate classification (germline): Likely benign (1 of 4 stars; one submission).

Allele frequency attached by ClinVar (database versions not stated): ExAC 0.00001; gnomAD 0.00001; gnomAD exomes 0.00001.
gnomAD v4.1: 16 of 1,613,982 alleles (0.00099%); highest among the groups gnomAD compares: East Asian, 0.0022%; no homozygotes.

Submission:

CeGaT Center for Human Genetics Tuebingen
Classification: Likely benign. Last evaluated: 2023-03-01. Review status: criteria provided, single submitter. Criteria: CeGaT Center For Human Genetics Tuebingen Variant Classification Criteria Version 2. Collection method: clinical testing. Allele origin: germline. Affected: yes. Observed: 1 variant allele.
Comment: DNAJC6: BP4, BP7

NM_001256864.2(DNAJC6):c.2061C>T (p.Asn687=)

Gene: DNAJC6 (DnaJ heat shock protein family (Hsp40) member C6; plus strand). Cytogenetic location: 1p31.3.
Variant type: single nucleotide variant.
Coding change: c.2061C>T on transcript NM_001256864.2 (MANE Select); coding-DNA position 2061, C replaced by T.
Protein change: p.Asn687=; no amino-acid change (asparagine 687 retained).
Molecular consequence: synonymous variant.
Genome position (GRCh38, 1-based): chr1:65,398,835, C>T. VCF-style: chr1-65398835-C-T. GRCh37 (hg19) VCF-style: chr1-65864518-C-T.
Other names: c.1851C>T, p.Asn617= (NM_001256865.2); c.1890C>T, p.Asn630= (NM_014787.4).
Identifiers: ClinVar variation 2638873 (VCV002638873.24), dbSNP rs778381744, ClinGen allele CA894067.
Genomic context (GRCh38, chr1:65,398,835, plus strand): 5'-TCTCTTGTTCTCATTCTTTTTCTTTTCCCCATTTGCAGCTTCTAGTACGCCTGCTGTGAA[C>T]ATTCAGCCAGATGTTTCTGGAGGTTGGGACTGGCATGCTAAACCAGGTAAAAGCAGGTTA-3'
Protein context (NP_001243793.1, residues 677-697): TVHASSTPAV[Asn687=]IQPDVSGGWD